The following is an entry in ClinVar:

ClinVar aggregate classification (germline): Pathogenic/Likely pathogenic. Review status: criteria provided, multiple submitters, no conflicts (2 of 4 stars). 2 submissions from 2 submitters: Pathogenic (1); Likely pathogenic (1). Last evaluated 2020-12-04.

Conditions:
Hereditary cancer-predisposing syndrome. Also called: Tumor predisposition; Neoplastic Syndromes, Hereditary; Hereditary Cancer Syndrome; Hereditary neoplastic syndrome. Identifiers: Orphanet 140162, MedGen C0027672, MeSH D009386, MONDO:0015356.
Familial cancer of breast. Also called: Hereditary breast cancer; BREAST CANCER, FAMILIAL; hereditary breast carcinoma. Identifiers: Orphanet 227535, MedGen C0346153, MONDO:0016419, OMIM 114480. Disease mechanism: loss of function.

Submissions (2):

Baylor Genetics
Classification: Likely pathogenic for Familial cancer of breast. Last evaluated: 2020-12-04. Review status: criteria provided, single submitter. Criteria: ACMG Guidelines, 2015. Collection method: clinical testing. Allele origin: unknown.

Ambry Genetics
Classification: Pathogenic for Hereditary cancer-predisposing syndrome. Last evaluated: 2018-12-06. Review status: criteria provided, single submitter. Criteria: Ambry Variant Classification Scheme 2023. Collection method: clinical testing. Allele origin: germline.
Comment: The c.6128dupG pathogenic mutation, located in coding exon 41 of the ATM gene, results from a duplication of G at nucleotide position 6128, causing a translational frameshift with a predicted alternate stop codon (p.K2044Qfs*7). This alteration is expected to result in loss of function by premature protein truncation or nonsense-mediated mRNA decay. As such, this alteration is interpreted as a disease-causing mutation.

NM_000051.4(ATM):c.6128dup (p.Lys2044fs)

Genes: ATM (ATM serine/threonine kinase; plus strand), C11orf65 (chromosome 11 open reading frame 65; minus strand). Cytogenetic location: 11q22.3.
Variant type: Duplication.
Coding change: c.6128dup on transcript NM_000051.4 (MANE Select); coding-DNA position 6128, one base duplicated (G; older notation c.6128dupG).
Protein change: p.Lys2044fs; shifts the reading frame from lysine 2044.
Molecular consequence: frameshift variant. On other transcripts: intron variant (2).
Genome position (GRCh38, 1-based): chr11:108,316,043, G duplicated; the last of 4 consecutive G bases (chr11:108,316,040-108,316,043); duplicating any one gives the same sequence. VCF-style (leftmost placement, unchanged base first): chr11-108316039-T-TG. GRCh37 (hg19) VCF-style: chr11-108186766-T-TG.
Other names: c.6128dupG (NM_000051.3); c.6128dup, p.Lys2044fs (NM_001351834.2); c.641-6969dup (NM_001330368.2); c.*39-6969dup (NM_001351110.2); short protein forms K2044fs.
Identifiers: ClinVar variation 826193 (VCV000826193.7), dbSNP rs1591778765, ClinGen allele CA915947650.